The following is an entry in ClinVar:

ClinVar aggregate classification (germline): Benign/Likely benign. Review status: criteria provided, multiple submitters, no conflicts (2 of 4 stars). 3 submissions from 3 submitters: Benign (1); Likely benign (1). 1 of the submissions does not count toward it. Last evaluated 2026-01-31.

Conditions:
LAT-related disorder. Also called: LAT-related condition.

Allele frequency attached by ClinVar (database versions not stated): gnomAD exomes 0.00029 and 0.00084; ExAC 0.00101; gnomAD 0.00350 and 0.00378; ESP Exome Variant Server 0.00377; 1000 Genomes Project 0.00379; 1000 Genomes Project 30x 0.00390; TOPMed 0.00402.
gnomAD v4.1: 970 of 1,612,940 alleles (0.06%); highest among the groups gnomAD compares: African/African-American, 1.1%; 6 homozygotes.

Submissions (3):

Labcorp Genetics (formerly Invitae), Labcorp
Classification: Benign. Last evaluated: 2026-01-31. Review status: criteria provided, single submitter. Criteria: Invitae Variant Classification Sherloc (09022015). Collection method: clinical testing. Allele origin: germline.

Blueprint Genetics
Classification: Likely benign. Last evaluated: 2024-09-18. Review status: criteria provided, single submitter. Criteria: ACMG Guidelines, 2015. Collection method: clinical testing. Allele origin: germline.

PreventionGenetics, part of Exact Sciences
Classification: Benign for LAT-related condition. Last evaluated: 2024-04-18. Review status: no assertion criteria provided. Collection method: clinical testing. Allele origin: germline. Not counted in ClinVar's aggregate classification.
Comment: This variant is classified as benign based on ACMG/AMP sequence variant interpretation guidelines (Richards et al. 2015 PMID: 25741868, with internal and published modifications).

NM_001014987.2(LAT):c.493+3G>A

Gene: LAT (linker for activation of T cells; plus strand). Cytogenetic location: 16p11.2.
Variant type: single nucleotide variant.
Coding change: c.493+3G>A on transcript NM_001014987.2 (MANE Select); 3 bases into the intron after coding-DNA position 493, G replaced by A.
Molecular consequence: intron variant.
Genome position (GRCh38, 1-based): chr16:28,986,896, G>A. VCF-style: chr16-28986896-G-A. GRCh37 (hg19) VCF-style: chr16-28998217-G-A.
Other names: c.601+3G>A (NM_001014989.2); c.580+3G>A (NM_014387.4); c.490+3G>A (NM_001014988.2); c.493+3G>A (NM_001014987.1).
Identifiers: ClinVar variation 1168883 (VCV001168883.11), dbSNP rs149585476, ClinGen allele CA7990028.